The following is an entry in ClinVar:

NM_000237.3(LPL):c.68G>A (p.Gly23Glu)

Gene: LPL (lipoprotein lipase; plus strand). Cytogenetic location: 8p21.3.
Variant type: single nucleotide variant.
Coding change: c.68G>A on transcript NM_000237.3 (MANE Select); coding-DNA position 68, G replaced by A.
Protein change: p.Gly23Glu; replaces glycine 23 with glutamic acid.
Molecular consequence: missense variant.
Genome position (GRCh38, 1-based): chr8:19,939,508, G>A. VCF-style: chr8-19939508-G-A. GRCh37 (hg19) VCF-style: chr8-19797019-G-A.
Other names: short protein forms G23E.
Identifiers: ClinVar variation 2454157 (VCV002454157.2), dbSNP rs539997018, ClinGen allele CA4655276.

ClinVar aggregate classification (germline): Uncertain significance (1 of 4 stars; one submission).

Conditions:
Cardiovascular phenotype. Identifiers: MedGen CN230736.

Allele frequency attached by ClinVar (database versions not stated): ExAC 0.00001; 1000 Genomes Project 0.00020.

Submission:

Ambry Genetics
Classification: Uncertain significance for Cardiovascular phenotype. Last evaluated: 2022-11-02. Review status: criteria provided, single submitter. Criteria: Ambry Variant Classification Scheme 2023. Collection method: clinical testing. Allele origin: germline.
Comment: The p.G23E variant (also known as c.68G>A), located in coding exon 1 of the LPL gene, results from a G to A substitution at nucleotide position 68. The glycine at codon 23 is replaced by glutamic acid, an amino acid with similar properties. This amino acid position is conserved. In addition, this alteration is predicted to be tolerated by in silico analysis. Since supporting evidence is limited at this time, the clinical significance of this alteration remains unclear.